The following is an entry in ClinVar:

NM_018993.4(RIN2):c.1462G>A (p.Val488Met)

Gene: RIN2 (Ras and Rab interactor 2; plus strand). Cytogenetic location: 20p11.23.
Variant type: single nucleotide variant.
Coding change: c.1462G>A on transcript NM_018993.4 (MANE Select); coding-DNA position 1462, G replaced by A.
Protein change: p.Val488Met; replaces valine 488 with methionine.
Molecular consequence: missense variant.
Genome position (GRCh38, 1-based): chr20:19,975,487, G>A. VCF-style: chr20-19975487-G-A. GRCh37 (hg19) VCF-style: chr20-19956131-G-A.
Other names: c.1609G>A, p.Val537Met (NM_001242581.2); c.844G>A, p.Val282Met (NM_001378238.1); short protein forms V282M, V537M, V488M.
Identifiers: ClinVar variation 1465419 (VCV001465419.3), dbSNP rs747717500, ClinGen allele CA9780092.

ClinVar aggregate classification (germline): Uncertain significance (1 of 4 stars; one submission).

Allele frequency attached by ClinVar (database versions not stated): gnomAD 0.00001; gnomAD exomes 0.00001 and 0.00002; TOPMed 0.00001; ExAC 0.00002.
gnomAD v4.1: 7 of 1,613,944 alleles (0.00043%); highest among the groups gnomAD compares: Admixed American, 0.0017%; no homozygotes.

Submission:

Labcorp Genetics (formerly Invitae), Labcorp
Classification: Uncertain significance. Last evaluated: 2021-10-29. Review status: criteria provided, single submitter. Criteria: Invitae Variant Classification Sherloc (09022015). Collection method: clinical testing. Allele origin: germline.
Comment: This sequence change replaces valine, which is neutral and non-polar, with methionine, which is neutral and non-polar, at codon 488 of the RIN2 protein (p.Val488Met). This variant is present in population databases (rs747717500, gnomAD 0.003%). This variant has not been reported in the literature in individuals affected with RIN2-related conditions. Algorithms developed to predict the effect of missense changes on protein structure and function are either unavailable or do not agree on the potential impact of this missense change (SIFT: "Tolerated"; PolyPhen-2: "Not Available"; Align-GVGD: "Class C0"). In summary, the available evidence is currently insufficient to determine the role of this variant in disease. Therefore, it has been classified as a Variant of Uncertain Significance.